The following is an entry in ClinVar:

NM_001276309.3(NOL3):c.-4G>T

Gene: NOL3 (nucleolar protein 3; plus strand). Cytogenetic location: 16q22.1.
Variant type: single nucleotide variant.
Coding change: c.-4G>T on transcript NM_001276309.3 (MANE Select); 4 bases upstream of the start codon, G replaced by T.
Molecular consequence: 5 prime UTR variant.
Genome position (GRCh38, 1-based): chr16:67,174,166, G>T. VCF-style: chr16-67174166-G-T. GRCh37 (hg19) VCF-style: chr16-67208069-G-T.
Other names: NM_001276319.1:c.183G>T; c.-4G>T (NM_001185057.3, NM_001276307.3, NM_001276311.2 and 9 more transcripts).
Identifiers: ClinVar variation 3058233 (VCV003058233.2), dbSNP rs1234246359, ClinGen allele CA723027136.

ClinVar aggregate classification (germline): Likely benign (0 of 4 stars; one submission).

Conditions:
NOL3-related disorder. Also called: NOL3-related condition.

Allele frequency attached by ClinVar (database versions not stated): gnomAD 0.00001.
gnomAD v4.1: 3 of 1,607,652 alleles (0.00019%); highest among the groups gnomAD compares: Non-Finnish European, 0.00026%; no homozygotes.

Submission:

PreventionGenetics, part of Exact Sciences
Classification: Likely benign for NOL3-related condition. Last evaluated: 2023-07-11. Review status: no assertion criteria provided. Collection method: clinical testing. Allele origin: germline.
Comment: This variant is classified as likely benign based on ACMG/AMP sequence variant interpretation guidelines (Richards et al. 2015 PMID: 25741868, with internal and published modifications).